The following is an entry in ClinVar:

NC_000005.10:g.112848647C>T

Variant type: single nucleotide variant.
Genome position: GRCh38 VCF-style: chr5-112848647-C-T. GRCh37 (hg19) VCF-style: chr5-112184344-C-T.
Identifiers: ClinVar variation 83281 (VCV000083281.3), dbSNP rs75078014, ClinGen allele CA250973.

ClinVar aggregate classification (germline): other (0 of 4 stars; one submission).

Conditions:
Familial colorectal cancer. Identifiers: MedGen CN280943, MONDO:0023113. Disease mechanism: loss of function.

Submission:

Systems Biology Platform Zhejiang California International NanoSystems Institute
Classification: other for Familial colorectal cancer. Review status: no assertion criteria provided. Collection method: not provided. Allele origin: unknown.
ClinVar note: Converted during submission from cancer to other.